The following is an entry in ClinVar:

ClinVar aggregate classification (germline): Likely pathogenic (1 of 4 stars; one submission).

Conditions:
TP63-Related Spectrum Disorders.

Submission:

Labcorp Genetics (formerly Invitae), Labcorp
Classification: Likely pathogenic. Last evaluated: 2024-06-04. Review status: criteria provided, single submitter. Criteria: Invitae Variant Classification Sherloc (09022015). Collection method: clinical testing. Allele origin: germline.
Comment: This sequence change replaces arginine, which is basic and polar, with leucine, which is neutral and non-polar, at codon 343 of the TP63 protein (p.Arg343Leu). This variant is not present in population databases (gnomAD no frequency). This missense change has been observed in individual(s) with TP63-related disorders (Invitae). Advanced modeling of protein sequence and biophysical properties (such as structural, functional, and spatial information, amino acid conservation, physicochemical variation, residue mobility, and thermodynamic stability) performed at Invitae indicates that this missense variant is expected to disrupt TP63 protein function with a positive predictive value of 80%. This variant disrupts the p.Arg343 amino acid residue in TP63. Other variant(s) that disrupt this residue have been determined to be pathogenic (PMID: 10535733, 20180707, 24734328). This suggests that this residue is clinically significant, and that variants that disrupt this residue are likely to be disease-causing. In summary, the currently available evidence indicates that the variant is pathogenic, but additional data are needed to prove that conclusively. Therefore, this variant has been classified as Likely Pathogenic.

Literature cited by the submitters: PubMed 10535733; PubMed 20180707; PubMed 24734328.

NM_003722.5(TP63):c.1028G>T (p.Arg343Leu)

Gene: TP63 (tumor protein p63; plus strand). Cytogenetic location: 3q28.
Variant type: single nucleotide variant.
Coding change: c.1028G>T on transcript NM_003722.5 (MANE Select); coding-DNA position 1028, G replaced by T.
Protein change: p.Arg343Leu; replaces arginine 343 with leucine.
Molecular consequence: missense variant.
Genome position (GRCh38, 1-based): chr3:189,868,615, G>T. VCF-style: chr3-189868615-G-T. GRCh37 (hg19) VCF-style: chr3-189586404-G-T.
Other names: c.1028G>T, p.Arg343Leu (NM_001114978.2, NM_001114979.2, NM_001329144.2 and 1 more transcripts); c.746G>T, p.Arg249Leu (NM_001114980.2, NM_001114981.2, NM_001114982.2 and 2 more transcripts); c.491G>T, p.Arg164Leu (NM_001329146.2, NM_001329150.2); c.1022G>T, p.Arg341Leu (NM_001329964.2); short protein forms R249L, R341L, R164L, R343L.
Identifiers: ClinVar variation 3655584 (VCV003655584.1).